The following is an entry in ClinVar:

NM_001184.4(ATR):c.3259T>A (p.Tyr1087Asn)

Gene: ATR (ATR checkpoint kinase; minus strand). Cytogenetic location: 3q23.
Variant type: single nucleotide variant.
Coding change: c.3259T>A on transcript NM_001184.4 (MANE Select); coding-DNA position 3259, T replaced by A.
Protein change: p.Tyr1087Asn; replaces tyrosine 1087 with asparagine.
Molecular consequence: missense variant.
Genome position (GRCh38, 1-based): chr3:142,547,823, A>T on the plus strand (T>A on the coding strand, the complement: ATR is on the minus strand). VCF-style: chr3-142547823-A-T. GRCh37 (hg19) VCF-style: chr3-142266665-A-T.
Other names: c.3067T>A, p.Tyr1023Asn (NM_001354579.2); short protein forms Y1023N, Y1087N.
Identifiers: ClinVar variation 3221116 (VCV003221116.1), dbSNP rs34253059, ClinGen allele CA354810694.

ClinVar aggregate classification (germline): Uncertain significance (1 of 4 stars; one submission).

Conditions:
Inborn genetic diseases. Identifiers: MedGen C0950123, MeSH D030342.

Submission:

Ambry Genetics
Classification: Uncertain significance for Inborn genetic diseases. Last evaluated: 2023-09-23. Review status: criteria provided, single submitter. Criteria: Ambry Variant Classification Scheme 2023. Collection method: clinical testing. Allele origin: germline.
Comment: The p.Y1087N variant (also known as c.3259T>A), located in coding exon 16 of the ATR gene, results from a T to A substitution at nucleotide position 3259. The tyrosine at codon 1087 is replaced by asparagine, an amino acid with dissimilar properties. This amino acid position is conserved. In addition, the in silico prediction for this alteration is inconclusive. Since supporting evidence is limited at this time, the clinical significance of this alteration remains unclear.